The following is an entry in ClinVar:

NM_133497.4(KCNV2):c.327G>C (p.Gln109His)

Gene: KCNV2 (potassium voltage-gated channel modifier subfamily V member 2; plus strand). Cytogenetic location: 9p24.2.
Variant type: single nucleotide variant.
Coding change: c.327G>C on transcript NM_133497.4 (MANE Select); coding-DNA position 327, G replaced by C.
Protein change: p.Gln109His; replaces glutamine 109 with histidine.
Molecular consequence: missense variant.
Genome position (GRCh38, 1-based): chr9:2,718,066, G>C. VCF-style: chr9-2718066-G-C. GRCh37 (hg19) VCF-style: chr9-2718066-G-C.
Other names: short protein forms Q109H.
Identifiers: ClinVar variation 1061797 (VCV001061797.9), dbSNP rs753302163, ClinGen allele CA4965410.

ClinVar aggregate classification (germline): Uncertain significance (1 of 4 stars; one submission).

Allele frequency attached by ClinVar (database versions not stated): gnomAD exomes below 0.00001 and 0.00001; TOPMed 0.00001; ExAC 0.00002.

Submission:

Labcorp Genetics (formerly Invitae), Labcorp
Classification: Uncertain significance. Last evaluated: 2022-08-09. Review status: criteria provided, single submitter. Criteria: Invitae Variant Classification Sherloc (09022015). Collection method: clinical testing. Allele origin: germline.
Comment: In summary, the available evidence is currently insufficient to determine the role of this variant in disease. Therefore, it has been classified as a Variant of Uncertain Significance. Advanced modeling of protein sequence and biophysical properties (such as structural, functional, and spatial information, amino acid conservation, physicochemical variation, residue mobility, and thermodynamic stability) performed at Invitae indicates that this missense variant is not expected to disrupt KCNV2 protein function. ClinVar contains an entry for this variant (Variation ID: 1061797). This variant has not been reported in the literature in individuals affected with KCNV2-related conditions. This variant is present in population databases (rs753302163, gnomAD 0.01%). This sequence change replaces glutamine, which is neutral and polar, with histidine, which is basic and polar, at codon 109 of the KCNV2 protein (p.Gln109His).